The following is an entry in ClinVar:

NM_000535.7(PMS2):c.852_855del (p.Arg287fs)

Gene: PMS2 (PMS1 homolog 2, mismatch repair system component; minus strand). Cytogenetic location: 7p22.1.
Variant type: Deletion.
Coding change: c.852_855del on transcript NM_000535.7 (MANE Select); coding-DNA positions 852 to 855, 4 bases deleted (AACA; older notation c.852_855delAACA).
Protein change: p.Arg287fs; shifts the reading frame from arginine 287.
Molecular consequence: frameshift variant. On other transcripts: 5 prime UTR variant (2), non-coding transcript variant (1).
Genome position (GRCh38, 1-based): chr7:5,995,582-5,995,585, TGTT deleted on the plus strand (AACA on the coding strand, the reverse complement: PMS2 is on the minus strand). VCF-style (leftmost placement, unchanged base first): chr7-5995581-CTGTT-C. GRCh37 (hg19) VCF-style: chr7-6035212-CTGTT-C.
Other names: c.447_450delAACA, p.Arg152Serfs (NM_001018040.1, NM_001406887.1, NM_001406888.1 and 15 more transcripts); c.447_450del, p.Arg152fs (NM_001322005.2, NM_001322004.2, NM_001322003.2 and 2 more transcripts); c.852_855del, p.Arg287fs (NM_001322006.2, NM_001322014.2); c.534_537del, p.Arg181fs (NM_001322007.2, NM_001322008.2); c.-82_-79del (NM_001322011.2, NM_001322012.2); c.279_282del, p.Arg96fs (NM_001322013.2); c.543_546del, p.Arg184fs (NM_001322015.2); c.1038_1041delAACA, p.Arg349Serfs (NM_001406866.1); and 9 more; short protein forms R152fs, R287fs, R184fs, R181fs, R96fs.
Identifiers: ClinVar variation 1763720 (VCV001763720.8), dbSNP rs2536148799, ClinGen allele CA2580076805.
Genomic context (GRCh38, chr7:5,995,581, plus strand): 5'-AAATTTTAAATACCTTTGCTGGGTCACAAGGCCGCCGGTTGATAAAGAAAAACTGTCTGT[CTGTT>C]GAACTCCTTCCAACTCCATGCGTGCATTGTGAAATGAAACCTGAGATGCTATTCAACATT-3'

ClinVar aggregate classification (germline): Pathogenic. Review status: criteria provided, multiple submitters, no conflicts (2 of 4 stars). 2 submissions from 2 submitters: Pathogenic (2). Last evaluated 2025-01-30.

Conditions:
Hereditary nonpolyposis colorectal neoplasms. Identifiers: MedGen C0009405, MeSH D003123.
Hereditary cancer-predisposing syndrome. Also called: Neoplastic Syndromes, Hereditary; Tumor predisposition; Hereditary Cancer Syndrome; Hereditary neoplastic syndrome. Identifiers: Orphanet 140162, MedGen C0027672, MeSH D009386, MONDO:0015356.

Submissions (2):

Ambry Genetics
Classification: Pathogenic for Hereditary cancer-predisposing syndrome. Last evaluated: 2025-01-30. Review status: criteria provided, single submitter. Criteria: Ambry Variant Classification Scheme 2023. Collection method: clinical testing. Allele origin: germline.
Comment: The c.852_855delAACA pathogenic mutation, located in coding exon 8 of the PMS2 gene, results from a deletion of 4 nucleotides at nucleotide positions 852 to 855, causing a translational frameshift with a predicted alternate stop codon (p.R287Sfs*19). This variant is considered to be rare based on population cohorts in the Genome Aggregation Database (gnomAD). This alteration is expected to result in loss of function by premature protein truncation or nonsense-mediated mRNA decay. As such, this alteration is interpreted as a disease-causing mutation.

Labcorp Genetics (formerly Invitae), Labcorp
Classification: Pathogenic for Hereditary nonpolyposis colorectal neoplasms. Last evaluated: 2024-09-23. Review status: criteria provided, single submitter. Criteria: Invitae Variant Classification Sherloc (09022015). Collection method: clinical testing. Allele origin: germline.
Comment: This sequence change creates a premature translational stop signal (p.Arg287Serfs*19) in the PMS2 gene. It is expected to result in an absent or disrupted protein product. Loss-of-function variants in PMS2 are known to be pathogenic (PMID: 21376568, 24362816). This variant is not present in population databases (gnomAD no frequency). This premature translational stop signal has been observed in individual(s) with colorectal cancer (PMID: 20186688). ClinVar contains an entry for this variant (Variation ID: 1763720). For these reasons, this variant has been classified as Pathogenic.

Literature cited by the submitters: PubMed 21376568 (cited by Labcorp Genetics (formerly Invitae), Labcorp); PubMed 24362816 (cited by Labcorp Genetics (formerly Invitae), Labcorp); PubMed 20186688 (cited by Labcorp Genetics (formerly Invitae), Labcorp).